The following is an entry in ClinVar:

NM_001393769.1(MED12L):c.680T>G (p.Met227Arg)

Gene: MED12L (mediator complex subunit 12L; plus strand). Cytogenetic location: 3q25.1.
Variant type: single nucleotide variant.
Coding change: c.680T>G on transcript NM_001393769.1 (MANE Select); coding-DNA position 680, T replaced by G.
Protein change: p.Met227Arg; replaces methionine 227 with arginine.
Molecular consequence: missense variant.
Genome position (GRCh38, 1-based): chr3:151,156,284, T>G. VCF-style: chr3-151156284-T-G. GRCh37 (hg19) VCF-style: chr3-150874071-T-G.
Other names: c.680T>G, p.Met227Arg (NM_053002.6); short protein forms M227R.
Identifiers: ClinVar variation 1705238 (VCV001705238.1), dbSNP rs2530395777, ClinGen allele CA354960079.

ClinVar aggregate classification (germline): Uncertain significance (1 of 4 stars; one submission).

gnomAD v4.1: 1 of 1,612,948 alleles (0.000062%); highest among the groups gnomAD compares: Non-Finnish European, 0.000085%; no homozygotes.

Submission:

Women's Health and Genetics/Laboratory Corporation of America, LabCorp
Classification: Uncertain significance. Last evaluated: 2022-08-29. Review status: criteria provided, single submitter. Criteria: LabCorp Variant Classification Summary - May 2015. Collection method: clinical testing. Allele origin: germline.
Comment: Variant summary: MED12L c.680T>G (p.Met227Arg) results in a non-conservative amino acid change in the encoded protein sequence. Three of five in-silico tools predict a damaging effect of the variant on protein function. The variant was absent in 249502 control chromosomes. The available data on variant occurrences in the general population are insufficient to allow any conclusion about variant significance. To our knowledge, no occurrence of c.680T>G in individuals affected with Nizon-Isidor Syndrome and no experimental evidence demonstrating its impact on protein function have been reported. No clinical diagnostic laboratories have submitted clinical-significance assessments for this variant to ClinVar after 2014. Based on the evidence outlined above, the variant was classified as uncertain significance.